The following is an entry in ClinVar:

NM_024675.4(PALB2):c.2997-1G>C

Gene: PALB2 (partner and localizer of BRCA2; minus strand). Cytogenetic location: 16p12.2.
Variant type: single nucleotide variant.
Coding change: c.2997-1G>C on transcript NM_024675.4 (MANE Select); the canonical splice acceptor site of the intron before coding-DNA position 2997, G replaced by C.
Molecular consequence: splice acceptor variant. On other transcripts: intron variant (1).
Genome position (GRCh38, 1-based): chr16:23,621,479, C>G on the plus strand (G>C on the coding strand, the complement: PALB2 is on the minus strand). VCF-style: chr16-23621479-C-G. GRCh37 (hg19) VCF-style: chr16-23632800-C-G.
Other names: NC_000016.9:g.23632800C>G; c.2112-1G>C (NM_001407308.1, NM_001407306.1, NM_001407309.1 and 4 more transcripts); c.531-1G>C (NM_001407314.1); c.1209-1G>C (NM_001407313.1, NM_001407312.1); c.2937-1G>C (NM_001407296.1); c.2925-1G>C (NM_001407297.1); c.2835-1G>C (NM_001407302.1, NM_001407298.1); c.2834+2530G>C (NM_001407300.1); and 2 more.
Identifiers: ClinVar variation 3254153 (VCV003254153.3), dbSNP rs754465466.

ClinVar aggregate classification (germline): Likely pathogenic. Review status: criteria provided, multiple submitters, no conflicts (2 of 4 stars). 2 submissions from 2 submitters: Likely pathogenic (2). Last evaluated 2025-03-28.

Conditions:
Hereditary cancer-predisposing syndrome. Also called: Hereditary Cancer Syndrome; Tumor predisposition; Hereditary neoplastic syndrome; Neoplastic Syndromes, Hereditary. Identifiers: Orphanet 140162, MedGen C0027672, MeSH D009386, MONDO:0015356.
Familial cancer of breast. Also called: BREAST CANCER, FAMILIAL; Hereditary breast cancer; hereditary breast carcinoma. Identifiers: Orphanet 227535, MedGen C0346153, MONDO:0016419, OMIM 114480. Disease mechanism: loss of function.

Submissions (3):

Ambry Genetics
Classification: Likely pathogenic for Hereditary cancer-predisposing syndrome. Last evaluated: 2025-03-28. Review status: criteria provided, single submitter. Criteria: Ambry Variant Classification Scheme 2023. Collection method: clinical testing. Allele origin: germline.
Comment: The c.2997-1G>C intronic variant results from a G to C substitution one nucleotide upstream from coding exon 10 of the PALB2 gene. This nucleotide position is highly conserved in available vertebrate species. In silico splice site analysis predicts that this alteration will weaken the native splice acceptor site and will result in the creation or strengthening of a novel splice acceptor site; however, direct evidence is insufficient at this time (Ambry internal data). Alterations that disrupt the canonical splice site are expected to cause aberrant splicing, resulting in an abnormal protein or a transcript that is subject to nonsense-mediated mRNA decay. As such, this alteration is classified as likely pathogenic.

Myriad Genetics, Inc.
Classification: Likely pathogenic for Familial cancer of breast. Last evaluated: 2024-04-16. Review status: criteria provided, single submitter. Criteria: Myriad Autosomal Dominant, Autosomal Recessive and X-Linked Classification Criteria (2023). Collection method: clinical testing. Allele origin: unknown.
Comment: This variant is considered likely pathogenic. This variant occurs within a consensus splice junction and is predicted to result in abnormal mRNA splicing of either an out-of-frame exon or an in-frame exon necessary for protein stability and/or normal function.

Dr. Peter K. Rogan Lab, Western University
No classification provided (evidence only). Condition: Hepatocellular carcinoma. Review status: no classification provided. Collection method: in vitro. Allele origin: not applicable. Functional consequence: cryptic splice site. Not counted in ClinVar's aggregate classification.